The following is an entry in ClinVar:

ClinVar aggregate classification (germline): Likely benign (1 of 4 stars; one submission).

Allele frequency attached by ClinVar (database versions not stated): gnomAD exomes 0.00018 and 0.00007; ExAC 0.00022; ESP Exome Variant Server 0.00054; gnomAD 0.00062 and 0.00068; TOPMed 0.00081.

Submission:

GeneDx
Classification: Likely benign. Last evaluated: 2016-11-01. Review status: criteria provided, single submitter. Criteria: GeneDx Variant Classification (06012015). Collection method: clinical testing. Allele origin: germline. Affected: yes.
Comment: This variant is considered likely benign or benign based on one or more of the following criteria: it is a conservative change, it occurs at a poorly conserved position in the protein, it is predicted to be benign by multiple in silico algorithms, and/or has population frequency not consistent with disease.

NM_032340.3(UQCC2):c.-16A>G

Gene: UQCC2 (ubiquinol-cytochrome c reductase complex assembly factor 2; minus strand). Cytogenetic location: 6p21.31.
Variant type: single nucleotide variant.
Coding change: c.-16A>G on transcript NM_032340.3; 16 bases upstream of the start codon, A replaced by G.
Genome position (GRCh38, 1-based): chr6:33,711,702, T>C on the plus strand (A>G on the coding strand, the complement: UQCC2 is on the minus strand). VCF-style: chr6-33711702-T-C. GRCh37 (hg19) VCF-style: chr6-33679479-T-C.
Identifiers: ClinVar variation 390553 (VCV000390553.3), dbSNP rs376699291, ClinGen allele CA3762573.